The following is an entry in ClinVar:

NM_022124.6(CDH23):c.2387A>C (p.Asp796Ala)

Gene: CDH23 (cadherin related 23; plus strand). Cytogenetic location: 10q22.1.
Variant type: single nucleotide variant.
Coding change: c.2387A>C on transcript NM_022124.6 (MANE Select); coding-DNA position 2387, A replaced by C.
Protein change: p.Asp796Ala; replaces aspartic acid 796 with alanine.
Molecular consequence: missense variant.
Genome position (GRCh38, 1-based): chr10:71,695,515, A>C. VCF-style: chr10-71695515-A-C. GRCh37 (hg19) VCF-style: chr10-73455272-A-C.
Other names: c.2387A>C, p.Asp796Ala (NM_001171930.2, NM_001171931.2); short protein forms D796A.
Identifiers: ClinVar variation 3623724 (VCV003623724.1).

ClinVar aggregate classification (germline): Uncertain significance (1 of 4 stars; one submission).

gnomAD v4.1: 21 of 1,611,150 alleles (0.0013%); highest among the groups gnomAD compares: Non-Finnish European, 0.0017%; no homozygotes.

Submission:

Labcorp Genetics (formerly Invitae), Labcorp
Classification: Uncertain significance. Last evaluated: 2024-08-28. Review status: criteria provided, single submitter. Criteria: Invitae Variant Classification Sherloc (09022015). Collection method: clinical testing. Allele origin: germline.
Comment: This sequence change replaces aspartic acid, which is acidic and polar, with alanine, which is neutral and non-polar, at codon 796 of the CDH23 protein (p.Asp796Ala). This variant is present in population databases (rs761174037, gnomAD 0.002%). This variant has not been reported in the literature in individuals affected with CDH23-related conditions. Invitae Evidence Modeling of protein sequence and biophysical properties (such as structural, functional, and spatial information, amino acid conservation, physicochemical variation, residue mobility, and thermodynamic stability) indicates that this missense variant is not expected to disrupt CDH23 protein function with a negative predictive value of 95%. In summary, the available evidence is currently insufficient to determine the role of this variant in disease. Therefore, it has been classified as a Variant of Uncertain Significance.